The following is an entry in ClinVar:

NM_025114.4(CEP290):c.4910T>C (p.Leu1637Pro)

Gene: CEP290 (centrosomal protein 290; minus strand). Cytogenetic location: 12q21.32.
Variant type: single nucleotide variant.
Coding change: c.4910T>C on transcript NM_025114.4 (MANE Select); coding-DNA position 4910, T replaced by C.
Protein change: p.Leu1637Pro; replaces leucine 1637 with proline.
Molecular consequence: missense variant.
Genome position (GRCh38, 1-based): chr12:88,083,133, A>G on the plus strand (T>C on the coding strand, the complement: CEP290 is on the minus strand). VCF-style: chr12-88083133-A-G. GRCh37 (hg19) VCF-style: chr12-88476910-A-G.
Other names: p.(Leu1637Pro); short protein forms L1637P.
Identifiers: ClinVar variation 2193292 (VCV002193292.6), dbSNP rs368886655, ClinGen allele CA6711831.

ClinVar aggregate classification (germline): Uncertain significance. Review status: criteria provided, multiple submitters, no conflicts (2 of 4 stars). 5 submissions from 5 submitters: Uncertain significance (5). Last evaluated 2026-09-11.

Conditions:
Inborn genetic diseases. Identifiers: MedGen C0950123, MeSH D030342.
Joubert syndrome. Also called: JOUBERT-BOLTSHAUSER SYNDROME; Familial aplasia of the vermis. Identifiers: Orphanet 475, MedGen C5979921, MONDO:0018772.
Nephronophthisis. Also called: Juvenile Nephronophthisis. Identifiers: Orphanet 655, MedGen C0687120, MONDO:0019005, HP:0000090.
Meckel-Gruber syndrome. Also called: DYSENCEPHALIA SPLANCHNOCYSTICA; GRUBER SYNDROME; Dysencephalia splachnocystica. Identifiers: Orphanet 564, MedGen C0265215, MONDO:0018921.
CEP290-related disorder. Also called: CEP290-related condition; CEP290-related disorders. Identifiers: MedGen CN239314.

Allele frequency attached by ClinVar (database versions not stated): 1000 Genomes Project 0.00020; TOPMed 0.00001; gnomAD 0.00002; 1000 Genomes Project 30x 0.00016; gnomAD exomes 0.00004; ExAC 0.00019.

Submissions (5):

PreventionGenetics, part of Exact Sciences
Classification: Uncertain significance for CEP290-related condition. Last evaluated: 2026-09-11. Review status: criteria provided, single submitter. Criteria: ACMG Guidelines, 2015. Collection method: clinical testing. Allele origin: germline.
Comment: The CEP290 c.4910T>C variant is predicted to result in the amino acid substitution p.Leu1637Pro. To our knowledge, this variant has not been reported in the literature. This variant is reported in 0.046% of alleles in individuals of South Asian descent in gnomAD. At this time, the clinical significance of this variant is uncertain due to the absence of conclusive functional and genetic evidence.

Ambry Genetics
Classification: Uncertain significance for Inborn genetic diseases. Last evaluated: 2025-04-20. Review status: criteria provided, single submitter. Criteria: Ambry Variant Classification Scheme 2023. Collection method: clinical testing. Allele origin: germline.

GeneDx
Classification: Uncertain significance. Last evaluated: 2025-02-14. Review status: criteria provided, single submitter. Criteria: GeneDx Variant Classification Process June 2021. Collection method: clinical testing. Allele origin: germline. Affected: yes.
Comment: In silico analysis supports that this missense variant has a deleterious effect on protein structure/function; Has not been previously published as pathogenic or benign in association with CEP290-related ciliopathies to our knowledge; This variant is associated with the following publications: (PMID: Kumari2021[CaseReport])

Blueprint Genetics
Classification: Uncertain significance. Last evaluated: 2024-11-06. Review status: criteria provided, single submitter. Criteria: ACMG Guidelines, 2015. Collection method: clinical testing. Allele origin: germline.

Labcorp Genetics (formerly Invitae), Labcorp
Classification: Uncertain significance for Joubert syndrome; Meckel-Gruber syndrome; Nephronophthisis. Last evaluated: 2022-08-09. Review status: criteria provided, single submitter. Criteria: Invitae Variant Classification Sherloc (09022015). Collection method: clinical testing. Allele origin: germline.
Comment: This sequence change replaces leucine, which is neutral and non-polar, with proline, which is neutral and non-polar, at codon 1637 of the CEP290 protein (p.Leu1637Pro). This variant is present in population databases (rs368886655, gnomAD 0.05%). This variant has not been reported in the literature in individuals affected with CEP290-related conditions. Algorithms developed to predict the effect of missense changes on protein structure and function are either unavailable or do not agree on the potential impact of this missense change (SIFT: "Tolerated"; PolyPhen-2: "Probably Damaging"; Align-GVGD: "Class C0"). In summary, the available evidence is currently insufficient to determine the role of this variant in disease. Therefore, it has been classified as a Variant of Uncertain Significance.